The following is an entry in ClinVar:

ClinVar aggregate classification (germline): Likely benign (1 of 4 stars; one submission).

gnomAD v4.1: 27 of 1,611,402 alleles (0.0017%); highest among the groups gnomAD compares: Non-Finnish European, 0.0019%; no homozygotes.

Submission:

CeGaT Center for Human Genetics Tuebingen
Classification: Likely benign. Last evaluated: 2024-09-01. Review status: criteria provided, single submitter. Criteria: CeGaT Center For Human Genetics Tuebingen Variant Classification Criteria Version 2. Collection method: clinical testing. Allele origin: germline. Affected: yes. Observed: 1 variant allele.
Comment: LAMA5: BP4, BP7

NM_005560.6(LAMA5):c.10839C>T (p.Ser3613=)

Gene: LAMA5 (laminin subunit alpha 5; minus strand). Cytogenetic location: 20q13.33.
Variant type: single nucleotide variant.
Coding change: c.10839C>T on transcript NM_005560.6 (MANE Select); coding-DNA position 10839, C replaced by T.
Protein change: p.Ser3613=; no amino-acid change (serine 3613 retained).
Molecular consequence: synonymous variant.
Genome position (GRCh38, 1-based): chr20:62,309,825, G>A on the plus strand (C>T on the coding strand, the complement: LAMA5 is on the minus strand). VCF-style: chr20-62309825-G-A. GRCh37 (hg19) VCF-style: chr20-60884881-G-A.
Identifiers: ClinVar variation 3342225 (VCV003342225.16).
Genomic context (GRCh38, chr20:62,309,825, plus strand): 5'-CAGCAAGGGGCCCACGGTGTGGTTGCTCTGCGCGTCCACCTCCAGCCGGAGCACATTCCC[G>A]CTTTTCATCACTGGGAGAAAGGGGGACTCCTGAGGCCAGGTGGTCCTCAGCCCAGCCTCT-3'
Protein context (NP_005551.3, residues 3603-3623): GQWHRLAVMK[Ser3613=]GNVLRLEVDA